The following is an entry in ClinVar:

NM_000179.3(MSH6):c.3717_3733del (p.Lys1240fs)

Gene: MSH6 (mutS homolog 6; plus strand). Cytogenetic location: 2p16.3.
Variant type: Deletion.
Coding change: c.3717_3733del on transcript NM_000179.3 (MANE Select); coding-DNA positions 3717 to 3733, 17 bases deleted (AAAATGTCGTACATTAT).
Protein change: p.Lys1240fs; shifts the reading frame from lysine 1240.
Molecular consequence: frameshift variant.
Genome position (GRCh38, 1-based): chr2:47,806,274-47,806,290, AAAATGTCGTACATTAT deleted; deleting any 17 consecutive bases within chr2:47,806,271-47,806,290 gives the same sequence; the c. name uses the placement nearest the transcript's 3' end. VCF-style (leftmost placement, unchanged base first): chr2-47806270-CTATAAAATGTCGTACAT-C. GRCh37 (hg19) VCF-style: chr2-48033409-CTATAAAATGTCGTACAT-C.
Other names: c.3813_3829del17, p.Lys1272Phefs (NM_001406795.1, NM_001406802.1); c.3717_3733del17, p.Lys1240Phefs (NM_001406796.1, NM_001406800.1, NM_001406808.1 and 1 more transcripts); c.3420_3436del17, p.Lys1141Phefs (NM_001406797.1, NM_001406801.1, NM_001406805.1 and 10 more transcripts); c.3543_3559del17, p.Lys1182Phefs (NM_001406798.1); c.3192_3208del17, p.Lys1065Phefs (NM_001406799.1, NM_001406806.1, NM_001406807.1); c.2853_2869del17, p.Lys952Phefs (NM_001406803.1); c.3639_3655del17, p.Lys1214Phefs (NM_001406804.1); c.2811_2827del17, p.Lys938Phefs (NM_001406811.1, NM_001406812.1, NM_001406814.1 and 4 more transcripts); and 8 more; short protein forms K1110fs, K1240fs, K938fs.
Identifiers: ClinVar variation 1734245 (VCV001734245.5), dbSNP rs2530842319, ClinGen allele CA2580067295.

ClinVar aggregate classification (germline): Pathogenic. Review status: criteria provided, multiple submitters, no conflicts (2 of 4 stars). 2 submissions from 2 submitters: Pathogenic (2). Last evaluated 2024-05-12.

Conditions:
Hereditary nonpolyposis colorectal neoplasms. Identifiers: MedGen C0009405, MeSH D003123.
Hereditary cancer-predisposing syndrome. Also called: Neoplastic Syndromes, Hereditary; Tumor predisposition; Hereditary Cancer Syndrome; Hereditary neoplastic syndrome. Identifiers: Orphanet 140162, MedGen C0027672, MeSH D009386, MONDO:0015356.

Submissions (2):

Labcorp Genetics (formerly Invitae), Labcorp
Classification: Pathogenic for Hereditary nonpolyposis colorectal neoplasms. Last evaluated: 2024-05-12. Review status: criteria provided, single submitter. Criteria: Invitae Variant Classification Sherloc (09022015). Collection method: clinical testing. Allele origin: germline.
Comment: This sequence change creates a premature translational stop signal (p.Lys1240Phefs*29) in the MSH6 gene. It is expected to result in an absent or disrupted protein product. Loss-of-function variants in MSH6 are known to be pathogenic (PMID: 18269114, 24362816). This variant is not present in population databases (gnomAD no frequency). This variant has not been reported in the literature in individuals affected with MSH6-related conditions. ClinVar contains an entry for this variant (Variation ID: 1734245). For these reasons, this variant has been classified as Pathogenic.

Ambry Genetics
Classification: Pathogenic for Hereditary cancer-predisposing syndrome. Last evaluated: 2022-06-13. Review status: criteria provided, single submitter. Criteria: Ambry Variant Classification Scheme 2023. Collection method: clinical testing. Allele origin: germline.
Comment: The c.3717_3733del17 pathogenic mutation, located in coding exon 8 of the MSH6 gene, results from a deletion of 17 nucleotides at nucleotide positions 3717 to 3733, causing a translational frameshift with a predicted alternate stop codon (p.K1240Ffs*29). This alteration is expected to result in loss of function by premature protein truncation or nonsense-mediated mRNA decay. As such, this alteration is interpreted as a disease-causing mutation.

Literature cited by the submitters: PubMed 18269114 (cited by Labcorp Genetics (formerly Invitae), Labcorp); PubMed 24362816 (cited by Labcorp Genetics (formerly Invitae), Labcorp).